The following is an entry in ClinVar:

ClinVar aggregate classification (germline): Uncertain significance (1 of 4 stars; one submission).

Allele frequency attached by ClinVar (database versions not stated): ExAC 0.00001; gnomAD 0.00001; 1000 Genomes Project 30x 0.00016; 1000 Genomes Project 0.00020.
gnomAD v4.1: 1 of 1,614,006 alleles (0.000062%); highest among the groups gnomAD compares: South Asian, 0.0011%; no homozygotes.

Submission:

Labcorp Genetics (formerly Invitae), Labcorp
Classification: Uncertain significance. Last evaluated: 2022-11-08. Review status: criteria provided, single submitter. Criteria: Invitae Variant Classification Sherloc (09022015). Collection method: clinical testing. Allele origin: germline.
Comment: Algorithms developed to predict the effect of missense changes on protein structure and function are either unavailable or do not agree on the potential impact of this missense change (SIFT: "Deleterious"; PolyPhen-2: "Probably Damaging"; Align-GVGD: "Class C0"). In summary, the available evidence is currently insufficient to determine the role of this variant in disease. Therefore, it has been classified as a Variant of Uncertain Significance. This sequence change replaces phenylalanine, which is neutral and non-polar, with leucine, which is neutral and non-polar, at codon 128 of the CEP19 protein (p.Phe128Leu). This variant has not been reported in the literature in individuals affected with CEP19-related conditions. This variant is present in population databases (rs527513703, gnomAD 0.003%).

NM_032898.5(CEP19):c.370T>C (p.Phe124Leu)

Gene: CEP19 (centrosomal protein 19; minus strand). Cytogenetic location: 3q29.
Variant type: single nucleotide variant.
Coding change: c.370T>C on transcript NM_032898.5 (MANE Select); coding-DNA position 370, T replaced by C.
Protein change: p.Phe124Leu; replaces phenylalanine 124 with leucine.
Molecular consequence: missense variant.
Genome position (GRCh38, 1-based): chr3:196,707,673, A>G on the plus strand (T>C on the coding strand, the complement: CEP19 is on the minus strand). VCF-style: chr3-196707673-A-G. GRCh37 (hg19) VCF-style: chr3-196434544-A-G.
Other names: c.265T>C, p.Phe89Leu (NM_001379468.1); c.370T>C, p.Phe124Leu (NM_001379469.1, NM_001379470.1); short protein forms F89L, F124L.
Identifiers: ClinVar variation 1907054 (VCV001907054.5), dbSNP rs527513703, ClinGen allele CA2782090.
Genomic context (GRCh38, chr3:196,707,673, plus strand): 5'-ATTCAACCTCAATGTCATAAACAAAATTTGGATCATCCTTCTTCTTCTGATTTTTCTCAA[A>G]AAGTTCATCCATGATGCTCTTTCTTTTGGCAAGCTCCTTGTCATCTAGTTTGTTCAGGTC-3'
Protein context (NP_116287.3, residues 114-134): AKRKSIMDEL[Phe124Leu]EKNQKKKDDP